The following is an entry in ClinVar:

NM_000545.8(HNF1A):c.1228G>A (p.Gly410Arg)

Gene: HNF1A (HNF1 homeobox A; plus strand). Cytogenetic location: 12q24.31.
Variant type: single nucleotide variant.
Coding change: c.1228G>A on transcript NM_000545.8 (MANE Select); coding-DNA position 1228, G replaced by A.
Protein change: p.Gly410Arg; replaces glycine 410 with arginine.
Molecular consequence: missense variant.
Genome position (GRCh38, 1-based): chr12:120,996,661, G>A. VCF-style: chr12-120996661-G-A. GRCh37 (hg19) VCF-style: chr12-121434464-G-A.
Other names: c.1228G>A, p.Gly410Arg (NM_001306179.2, NM_001406915.1); short protein forms G410R.
Identifiers: ClinVar variation 4741362 (VCV004741362.1).
Genomic context (GRCh38, chr12:120,996,661, plus strand): 5'-GAGCAGACATCCCCAGGCCTCAACCAGCAGCCCCAGAACCTCATCATGGCCTCACTTCCT[G>A]GGGTCATGACCATCGGGCCTGGTGAGCCTGCCTCCCTGGGTCCTACGTTCACCAACACAG-3'
Protein context (NP_000536.6, residues 400-420): PQNLIMASLP[Gly410Arg]VMTIGPGEPA

ClinVar aggregate classification (germline): Uncertain significance (1 of 4 stars; one submission).

Submission:

Labcorp Genetics (formerly Invitae), Labcorp
Classification: Uncertain significance. Last evaluated: 2025-06-22. Review status: criteria provided, single submitter. Criteria: Invitae Variant Classification Sherloc (09022015). Collection method: clinical testing. Allele origin: germline.
Comment: This sequence change replaces glycine, which is neutral and non-polar, with arginine, which is basic and polar, at codon 410 of the HNF1A protein (p.Gly410Arg). This variant is not present in population databases (gnomAD no frequency). This variant has not been reported in the literature in individuals affected with HNF1A-related conditions. Invitae Evidence Modeling of protein sequence and biophysical properties (such as structural, functional, and spatial information, amino acid conservation, physicochemical variation, residue mobility, and thermodynamic stability) indicates that this missense variant is not expected to disrupt HNF1A protein function with a negative predictive value of 80%. Algorithms developed to predict the effect of sequence changes on RNA splicing suggest that this variant may disrupt the consensus splice site. In summary, the available evidence is currently insufficient to determine the role of this variant in disease. Therefore, it has been classified as a Variant of Uncertain Significance.